The following is an entry in ClinVar:

NM_018671.5(UNC45A):c.319C>T (p.Arg107Cys)

Gene: UNC45A (unc-45 myosin chaperone A; plus strand). Cytogenetic location: 15q26.1.
Variant type: single nucleotide variant.
Coding change: c.319C>T on transcript NM_018671.5 (MANE Select); coding-DNA position 319, C replaced by T.
Protein change: p.Arg107Cys; replaces arginine 107 with cysteine.
Molecular consequence: missense variant. On other transcripts: 5 prime UTR variant (1).
Genome position (GRCh38, 1-based): chr15:90,936,353, C>T. VCF-style: chr15-90936353-C-T. GRCh37 (hg19) VCF-style: chr15-91479583-C-T.
Other names: c.274C>T, p.Arg92Cys (NM_001039675.2, NM_001323621.2); c.319C>T, p.Arg107Cys (NM_001323619.1); c.-117C>T (NM_001323620.2); short protein forms R92C, R107C.
Identifiers: ClinVar variation 1467496 (VCV001467496.6), dbSNP rs748799860, ClinGen allele CA274803280.

ClinVar aggregate classification (germline): Uncertain significance (1 of 4 stars; one submission).

Allele frequency attached by ClinVar (database versions not stated): gnomAD 0.00001.
gnomAD v4.1: 16 of 1,614,078 alleles (0.00099%); highest among the groups gnomAD compares: South Asian, 0.0022%; no homozygotes.

Submission:

Labcorp Genetics (formerly Invitae), Labcorp
Classification: Uncertain significance. Last evaluated: 2022-12-16. Review status: criteria provided, single submitter. Criteria: Invitae Variant Classification Sherloc (09022015). Collection method: clinical testing. Allele origin: germline.
Comment: In summary, the available evidence is currently insufficient to determine the role of this variant in disease. Therefore, it has been classified as a Variant of Uncertain Significance. Advanced modeling of protein sequence and biophysical properties (such as structural, functional, and spatial information, amino acid conservation, physicochemical variation, residue mobility, and thermodynamic stability) performed at Invitae indicates that this missense variant is expected to disrupt UNC45A protein function. ClinVar contains an entry for this variant (Variation ID: 1467496). This variant has not been reported in the literature in individuals affected with UNC45A-related conditions. This variant is present in population databases (no rsID available, gnomAD 0.003%). This sequence change replaces arginine, which is basic and polar, with cysteine, which is neutral and slightly polar, at codon 107 of the UNC45A protein (p.Arg107Cys).